The following is an entry in ClinVar:

ClinVar aggregate classification (germline): Pathogenic/Likely pathogenic. Review status: no assertion criteria provided (0 of 4 stars). 2 submissions from 2 submitters: Pathogenic (1); Likely pathogenic (1). Last evaluated 2018-09-10.

Conditions:
Hearing loss, autosomal recessive. Also called: Rare autosomal recessive non-syndromic sensorineural deafness type DFNB; Autosomal recessive nonsyndromic deafness; Nonsyndromic Hearing Loss, Recessive; Deafness, autosomal recessive. Identifiers: Orphanet 90635, Orphanet 90636, MedGen C1846647, MONDO:0019588, OMIM 607197.
Deafness. Identifiers: MedGen C0011053.

Submissions (2):

Center for Statistical Genetics, Columbia University
Classification: Pathogenic for Deafness. Last evaluated: 2018-09-10. Review status: no assertion criteria provided. Collection method: research. Allele origin: inherited. Affected: yes.
Comment: Autosomal recessive

University of Washington Center for Mendelian Genomics, University of Washington
Classification: Likely pathogenic for non-syndromic autosomal recessive hearing loss. Review status: no assertion criteria provided. Collection method: research. Allele origin: inherited. Affected: yes.

Literature cited by the submitters: PubMed 30303587 (cited by University of Washington Center for Mendelian Genomics, University of Washington).

NM_022124.6(CDH23):c.8351_8352insCGAT (p.Leu2785fs)

Gene: CDH23 (cadherin related 23; plus strand). Cytogenetic location: 10q22.1.
Variant type: Insertion.
Coding change: c.8351_8352insCGAT on transcript NM_022124.6 (MANE Select); coding-DNA positions 8351 to 8352, CGAT inserted.
Protein change: p.Leu2785fs; shifts the reading frame from leucine 2785.
Molecular consequence: frameshift variant.
Genome position: GRCh38 VCF-style: chr10-71807558-G-GCGAT. GRCh37 (hg19) VCF-style: chr10-73567315-G-GCGAT.
Other names: c.1631_1632insCGAT, p.Leu545fs (NM_001171933.1, NM_001171934.1); short protein forms L2785fs, L545fs.
Identifiers: ClinVar variation 560885 (VCV000560885.2), dbSNP rs1564805114, ClinGen allele CA658823159.
Genomic context (GRCh38, chr10:71,807,558, plus strand): 5'-CCATGATCCCACCCTCAGCCGGCAACGAAGAGAAGAACTTCCATCTGCAGCCCGATGGGT[G>GCGAT]TCTGCTGGTGCTGCGGGACCTGGACCGGGAGCGAGAAGCCATCTTCTCCTTCATCGTCAA-3'